The following is an entry in ClinVar:

NM_007074.4(CORO1A):c.1223G>A (p.Arg408Gln)

Gene: CORO1A (coronin 1A; plus strand). Cytogenetic location: 16p11.2.
Variant type: single nucleotide variant.
Coding change: c.1223G>A on transcript NM_007074.4 (MANE Select); coding-DNA position 1223, G replaced by A.
Protein change: p.Arg408Gln; replaces arginine 408 with glutamine.
Molecular consequence: missense variant.
Genome position (GRCh38, 1-based): chr16:30,188,518, G>A. VCF-style: chr16-30188518-G-A. GRCh37 (hg19) VCF-style: chr16-30199839-G-A.
Other names: c.1223G>A, p.Arg408Gln (NM_001193333.3); short protein forms R408Q.
Identifiers: ClinVar variation 4750648 (VCV004750648.1).

ClinVar aggregate classification (germline): Uncertain significance (1 of 4 stars; one submission).

Conditions:
Severe combined immunodeficiency due to CORO1A deficiency. Also called: IMMUNODEFICIENCY 8 WITH LYMPHOPROLIFERATION; Immunodeficiency 8. Identifiers: Orphanet 228003, MedGen C3809383, MONDO:0014168, OMIM 615401.

Submission:

Labcorp Genetics (formerly Invitae), Labcorp
Classification: Uncertain significance for Severe combined immunodeficiency due to CORO1A deficiency. Last evaluated: 2026-01-17. Review status: criteria provided, single submitter. Criteria: Invitae Variant Classification Sherloc (09022015). Collection method: clinical testing. Allele origin: germline.
Comment: This sequence change replaces arginine, which is basic and polar, with glutamine, which is neutral and polar, at codon 408 of the CORO1A protein (p.Arg408Gln). The frequency data for this variant in the population databases is considered unreliable, as metrics indicate poor data quality at this position in the gnomAD database. This variant has not been reported in the literature in individuals affected with CORO1A-related conditions. Invitae Evidence Modeling of protein sequence and biophysical properties (such as structural, functional, and spatial information, amino acid conservation, physicochemical variation, residue mobility, and thermodynamic stability) indicates that this missense variant is not expected to disrupt CORO1A protein function with a negative predictive value of 80%. In summary, the available evidence is currently insufficient to determine the role of this variant in disease. Therefore, it has been classified as a Variant of Uncertain Significance.